The following is an entry in ClinVar:

NM_001690.4(ATP6V1A):c.613A>G (p.Met205Val)

Gene: ATP6V1A (ATPase H+ transporting V1 subunit A; plus strand). Cytogenetic location: 3q13.31.
Variant type: single nucleotide variant.
Coding change: c.613A>G on transcript NM_001690.4 (MANE Select); coding-DNA position 613, A replaced by G.
Protein change: p.Met205Val; replaces methionine 205 with valine.
Molecular consequence: missense variant.
Genome position (GRCh38, 1-based): chr3:113,786,280, A>G. VCF-style: chr3-113786280-A-G. GRCh37 (hg19) VCF-style: chr3-113505127-A-G.
Other names: short protein forms M205V.
Identifiers: ClinVar variation 1308093 (VCV001308093.5), dbSNP rs1709039201, ClinGen allele CA354010690.
Genomic context (GRCh38, chr3:113,786,280, plus strand): 5'-GTATTTCTATAGGATGTTGTCTTGGAGCTTGAATTTGAAGGTGTAAAGGAGAAGTTCACC[A>G]TGGTGCAAGTATGGCCTGTACGTCAAGTTCGACCTGTCACTGAGAAGCTGCCAGCCAATC-3'
Protein context (NP_001681.2, residues 195-215): EFEGVKEKFT[Met205Val]VQVWPVRQVR

ClinVar aggregate classification (germline): Uncertain significance. Review status: criteria provided, multiple submitters, no conflicts (2 of 4 stars). 3 submissions from 3 submitters: Uncertain significance (3). Last evaluated 2022-11-04.

Conditions:
Developmental and epileptic encephalopathy 93. Also called: EPILEPTIC ENCEPHALOPATHY, INFANTILE OR EARLY CHILDHOOD, 3. Identifiers: MedGen C4693934, MONDO:0020632, OMIM 618012.
Autosomal recessive cutis laxa type 2D. Also called: CUTIS LAXA, AUTOSOMAL RECESSIVE, TYPE IID. Identifiers: MedGen C4479409, MONDO:0027451, OMIM 617403.

Allele frequency attached by ClinVar (database versions not stated): gnomAD exomes below 0.00001.
gnomAD v4.1: 6 of 1,611,928 alleles (0.00037%); highest among the groups gnomAD compares: Non-Finnish European, 0.00051%; no homozygotes.

Submissions (3):

Blueprint Genetics
Classification: Uncertain significance. Last evaluated: 2022-11-04. Review status: criteria provided, single submitter. Criteria: ACMG Guidelines, 2015. Collection method: clinical testing. Allele origin: germline.

GeneDx
Classification: Uncertain significance. Last evaluated: 2019-08-27. Review status: criteria provided, single submitter. Criteria: GeneDx Variant Classification Process June 2021. Collection method: clinical testing. Allele origin: germline. Affected: yes.
Comment: Not observed in large population cohorts (Lek et al., 2016); In silico analysis, which includes protein predictors and evolutionary conservation, supports a deleterious effect; Has not been previously published as pathogenic or benign to our knowledge

Juno Genomics, Hangzhou Juno Genomics, Inc
Classification: Uncertain significance for Autosomal recessive cutis laxa type 2D; Developmental and epileptic encephalopathy 93. Review status: criteria provided, single submitter. Criteria: ACMG Guidelines, 2015. Collection method: clinical testing. Allele origin: germline.
Comment: Absent from controls (or at extremely low frequency if recessive) in Genome Aggregation Database.;Missense variant in a gene that has a low rate of benign missense variation.;Multiple lines of computational evidence support a deleterious effect on the gene or gene product.